The following is an entry in ClinVar:

NM_004463.3(FGD1):c.1341G>A (p.Trp447Ter)

Gene: FGD1 (FYVE, RhoGEF and PH domain containing 1; minus strand). Cytogenetic location: Xp11.22.
Variant type: single nucleotide variant.
Coding change: c.1341G>A on transcript NM_004463.3 (MANE Select); coding-DNA position 1341, G replaced by A.
Protein change: p.Trp447Ter; replaces tryptophan 447 with a stop codon.
Molecular consequence: nonsense.
Genome position (GRCh38, 1-based): chrX:54,465,852, C>T on the plus strand (G>A on the coding strand, the complement: FGD1 is on the minus strand). VCF-style: chrX-54465852-C-T. GRCh37 (hg19) VCF-style: chrX-54492285-C-T.
Other names: short protein forms W447*.
Identifiers: ClinVar variation 3255138 (VCV003255138.2), dbSNP rs2522709643.

ClinVar aggregate classification (germline): Pathogenic. Review status: criteria provided, single submitter (1 of 4 stars). 2 submissions from 2 submitters: Pathogenic (1). 1 of the submissions does not count toward it. Last evaluated 2023-07-17.

Conditions:
Aarskog syndrome (AAS). Also called: Aarskog Scott syndrome; Aarskog disease; Aarskog-Scott syndrome, X-linked; FGDY; FGD1-Related Faciogenital Dysplasia (Aarskog-Scott Syndrome). Identifiers: Orphanet 915, MedGen C0175701, MONDO:0010589, OMIM 305400.

Submissions (2):

Victorian Clinical Genetics Services, Murdoch Childrens Research Institute
Classification: Pathogenic for Aarskog syndrome. Last evaluated: 2023-07-17. Review status: criteria provided, single submitter. Criteria: ACMG Guidelines, 2015. Collection method: clinical testing. Allele origin: germline. Inheritance: X-linked recessive inheritance. Affected: yes.
Comment: Based on the classification scheme VCGS_Germline_v1.3.4, this variant is classified as Pathogenic. Following criteria are met: 0102 - Loss of function is a known mechanism of disease in this gene and is associated with Aarskog-Scott syndrome and intellectual developmental disorder, X-linked, syndromic 16 (MIM#305400). (I) 0109 - This gene is associated with X-linked recessive disease. (I) 0201 - Variant is predicted to cause nonsense-mediated decay (NMD) and loss of protein (premature termination codon is located at least 54 nucleotides upstream of the final exon-exon junction). Additionally, this variant is on the intron-exon boundary and may have an effect on splicing. (SP) 0253 - This variant is hemizygous. (I) 0301 - Variant is absent from gnomAD (both v2 and v3). (SP) 0701 - Other NMD-predicted variants comparable to the one identified in this case have very strong previous evidence for pathogenicity. These variants have been reported many times as pathogenic (DECIPHER). (SP) 0803 - This variant has limited previous evidence of pathogenicity in unrelated individuals. This variant has been reported in one family with Aarskog-Scott syndrome (AAS; PMID: 23211637). An alternative nucleotide change (c.1340G>A) resulting in the same amino acid substitution has also been reported in an individual with AAS (PMID: 25046119). (SP) 0905 - No published segregation evidence has been identified for this variant. (I) 1007 - No published functional evidence has been identified for this variant. (SP) Legend: (SP) - Supporting pathogenic, (I) - Information, (SB) - Supporting benign

Istanbul Faculty of Medicine, Istanbul University
Classification: Pathogenic for Aarskog syndrome. Last evaluated: 2024-10-02. Review status: no assertion criteria provided. Collection method: clinical testing. Allele origin: germline. Affected: yes. Observed: 1 variant allele. Not counted in ClinVar's aggregate classification.
Comment: PM3, PVS1, PM2

Literature cited by the submitters: PubMed 23211637 (cited by Victorian Clinical Genetics Services, Murdoch Childrens Research Institute); PubMed 25046119 (cited by Victorian Clinical Genetics Services, Murdoch Childrens Research Institute).